The following is an entry in ClinVar:

ClinVar aggregate classification (germline): Uncertain significance (1 of 4 stars; one submission).

Submission:

GeneDx
Classification: Uncertain significance. Last evaluated: 2025-07-25. Review status: criteria provided, single submitter. Criteria: GeneDx Variant Classification Process June 2021. Collection method: clinical testing. Allele origin: germline. Affected: yes.
Comment: In silico analysis supports that this missense variant has a deleterious effect on protein structure/function; Has not been previously published as pathogenic or benign to our knowledge

NM_001347721.2(DYRK1A):c.1393C>G (p.Leu465Val)

Gene: DYRK1A (dual specificity tyrosine phosphorylation regulated kinase 1A; plus strand). Cytogenetic location: 21q22.13.
Variant type: single nucleotide variant.
Coding change: c.1393C>G on transcript NM_001347721.2 (MANE Select); coding-DNA position 1393, C replaced by G.
Protein change: p.Leu465Val; replaces leucine 465 with valine.
Molecular consequence: missense variant.
Genome position (GRCh38, 1-based): chr21:37,505,463, C>G. VCF-style: chr21-37505463-C-G. GRCh37 (hg19) VCF-style: chr21-38877766-C-G.
Other names: c.1393C>G, p.Leu465Val (NM_001347722.2, NM_130436.2); c.1306C>G, p.Leu436Val (NM_001347723.2); c.1420C>G, p.Leu474Val (NM_001396.5, NM_101395.2, NM_130438.2); short protein forms L436V, L465V, L474V.
Identifiers: ClinVar variation 4689889 (VCV004689889.1).